The following is an entry in ClinVar:

ClinVar aggregate classification (germline): Likely benign. Review status: criteria provided, multiple submitters, no conflicts (2 of 4 stars). 2 submissions from 2 submitters: Likely benign (2). Last evaluated 2024-12-12.

Conditions:
CYP1B1-related disorder. Also called: CYP1B1-Related Disorders. Identifiers: MedGen CN239260.
Congenital glaucoma. Identifiers: MedGen C0020302, MONDO:0020366.

Allele frequency attached by ClinVar (database versions not stated): gnomAD 0.00001; TOPMed 0.00002.
gnomAD v4.1: 31 of 1,587,468 alleles (0.002%); highest among the groups gnomAD compares: African/African-American, 0.0027%; no homozygotes.

Submissions (2):

PreventionGenetics, part of Exact Sciences
Classification: Likely benign for CYP1B1-related condition. Last evaluated: 2024-12-12. Review status: criteria provided, single submitter. Criteria: ACMG Guidelines, 2015. Collection method: clinical testing. Allele origin: germline.
Comment: This variant is classified as likely benign based on ACMG/AMP sequence variant interpretation guidelines (Richards et al. 2015 PMID: 25741868, with internal and published modifications).

Labcorp Genetics (formerly Invitae), Labcorp
Classification: Likely benign for Congenital glaucoma. Last evaluated: 2023-05-13. Review status: criteria provided, single submitter. Criteria: Invitae Variant Classification Sherloc (09022015). Collection method: clinical testing. Allele origin: germline.

NM_000104.4(CYP1B1):c.345C>T (p.Ala115=)

Gene: CYP1B1 (cytochrome P450 family 1 subfamily B member 1; minus strand). Cytogenetic location: 2p22.2.
Variant type: single nucleotide variant.
Coding change: c.345C>T on transcript NM_000104.4 (MANE Select); coding-DNA position 345, C replaced by T.
Protein change: p.Ala115=; no amino-acid change (alanine 115 retained).
Molecular consequence: synonymous variant.
Genome position (GRCh38, 1-based): chr2:38,075,044, G>A on the plus strand (C>T on the coding strand, the complement: CYP1B1 is on the minus strand). VCF-style: chr2-38075044-G-A. GRCh37 (hg19) VCF-style: chr2-38302187-G-A.
Other names: c.345C>T (NM_000104.3).
Identifiers: ClinVar variation 2988004 (VCV002988004.4), dbSNP rs760811476, ClinGen allele CA425864696.
Genomic context (GRCh38, chr2:38,075,044, plus strand): 5'-GCCGAAAGCCATGCTGCGGCCGCCGGACACCACACGGAAGGAGGCGAAGGCCGGCCGGTC[G>A]GCGAAGGCCGAGCCCTGCTGCACCAGGGCCTGGTGGATGGCGCGCTCGCCATTCAGCACC-3'
Protein context (NP_000095.2, residues 105-125): QALVQQGSAF[Ala115=]DRPAFASFRV